The following is an entry in ClinVar:

NM_000540.3(RYR1):c.7836-10T>C

Gene: RYR1 (ryanodine receptor 1; plus strand). Cytogenetic location: 19q13.2.
Variant type: single nucleotide variant.
Coding change: c.7836-10T>C on transcript NM_000540.3 (MANE Select); 10 bases into the intron before coding-DNA position 7836, T replaced by C.
Molecular consequence: intron variant.
Genome position (GRCh38, 1-based): chr19:38,502,870, T>C. VCF-style: chr19-38502870-T-C. GRCh37 (hg19) VCF-style: chr19-38993510-T-C.
Other names: c.7836-10T>C (NM_001042723.2).
Identifiers: ClinVar variation 2983522 (VCV002983522.4), dbSNP rs1419507675, ClinGen allele CA2584901123.

ClinVar aggregate classification (germline): Likely benign. Review status: criteria provided, multiple submitters, no conflicts (2 of 4 stars). 2 submissions from 2 submitters: Likely benign (2). Last evaluated 2023-07-16.

Conditions:
Malignant hyperthermia, susceptibility to, 1 (MHS1). Also called: Malignant hyperthermia suceptibility 1; RYR1-Related Malignant Hyperthermia Susceptibility; Anesthesia related hyperthermia; Malignant hyperpyrexia; Fulminating hyperpyrexia; Pharmacogenic myopathy. Identifiers: Orphanet 423, MedGen C2930980, MONDO:0007783, OMIM 145600.
RYR1-related disorder. Also called: RYR1-related disorders; RYR1-related condition. Identifiers: MedGen CN239331.

Allele frequency attached by ClinVar (database versions not stated): gnomAD exomes below 0.00001.
gnomAD v4.1: 2 of 1,609,344 alleles (0.00012%); highest among the groups gnomAD compares: Non-Finnish European, 0.00017%; no homozygotes.

Submissions (2):

Labcorp Genetics (formerly Invitae), Labcorp
Classification: Likely benign for RYR1-related disorder. Last evaluated: 2023-07-16. Review status: criteria provided, single submitter. Criteria: Invitae Variant Classification Sherloc (09022015). Collection method: clinical testing. Allele origin: germline.

All of Us Research Program, National Institutes of Health
Classification: Likely benign for Malignant hyperthermia, susceptibility to, 1. Last evaluated: 2023-01-10. Review status: criteria provided, single submitter. Criteria: ACMG Guidelines, 2015. Collection method: clinical testing. Allele origin: germline. Inheritance: Autosomal dominant inheritance. Observed: 1 variant allele, 1 heterozygote.
Comment: This study involves interpretation of variants in research participants for the purpose of population health screening. Participant phenotype was not available at the time of variant classification. Additional details can be found in publication PMID: 35346344, PMCID: PMC8962531